The following is an entry in ClinVar:

NM_025114.4(CEP290):c.3731A>G (p.Glu1244Gly)

Gene: CEP290 (centrosomal protein 290; minus strand). Cytogenetic location: 12q21.32.
Variant type: single nucleotide variant.
Coding change: c.3731A>G on transcript NM_025114.4 (MANE Select); coding-DNA position 3731, A replaced by G.
Protein change: p.Glu1244Gly; replaces glutamic acid 1244 with glycine.
Molecular consequence: missense variant.
Genome position (GRCh38, 1-based): chr12:88,089,330, T>C on the plus strand (A>G on the coding strand, the complement: CEP290 is on the minus strand). VCF-style: chr12-88089330-T-C. GRCh37 (hg19) VCF-style: chr12-88483107-T-C.
Other names: short protein forms E1244G.
Identifiers: ClinVar variation 954317 (VCV000954317.9), dbSNP rs1342978055, ClinGen allele CA386000826.
Genomic context (GRCh38, chr12:88,089,330, plus strand): 5'-CGCAGATGTTTTGCTCTGTTTCTTCCCTCCAAACGAGCATAATAGAGAGCCTGTTCTTTT[T>C]CATCAAGTTTCTGCTCTAAGCGCAAGTTGTAGGCCTCCATCTTCTGCAGTTTAGATGTAA-3'
Protein context (NP_079390.3, residues 1234-1254): YNLRLEQKLD[Glu1244Gly]KEQALYYARL

ClinVar aggregate classification (germline): Uncertain significance. Review status: criteria provided, multiple submitters, no conflicts (2 of 4 stars). 3 submissions from 3 submitters: Uncertain significance (2). 1 of the submissions does not count toward it. Last evaluated 2022-07-19.

Conditions:
Joubert syndrome 5 (JBTS5). Identifiers: Orphanet 2318, MedGen C1857780, MONDO:0012432, OMIM 610188.
Leber congenital amaurosis 10 (LCA10). Identifiers: Orphanet 65, MedGen C1857821, MONDO:0012723, OMIM 611755.
Bardet-Biedl syndrome 14 (BBS14). Identifiers: Orphanet 110, MedGen C2673874, MONDO:0014442, OMIM 615991.
Meckel syndrome, type 4 (MKS4). Also called: MECKEL-GRUBER SYNDROME, TYPE 4. Identifiers: Orphanet 564, MedGen C1970161, MONDO:0012626, OMIM 611134.
Senior-Loken syndrome 6 (SLSN6). Identifiers: Orphanet 3156, MedGen C1857779, MONDO:0012433, OMIM 610189.
Meckel-Gruber syndrome. Also called: Dysencephalia splachnocystica; DYSENCEPHALIA SPLANCHNOCYSTICA; GRUBER SYNDROME. Identifiers: Orphanet 564, MedGen C0265215, MONDO:0018921.
Nephronophthisis. Also called: Juvenile Nephronophthisis. Identifiers: Orphanet 655, MedGen C0687120, MONDO:0019005, HP:0000090.
Joubert syndrome. Also called: Familial aplasia of the vermis; CEREBELLOPARENCHYMAL DISORDER IV; JOUBERT-BOLTSHAUSER SYNDROME. Identifiers: Orphanet 475, MedGen C5979921, MONDO:0018772.
Leber congenital amaurosis (LCA). Also called: Leber's amaurosis. Identifiers: Orphanet 65, MedGen C0339527, MeSH D057130, MONDO:0018998.

Allele frequency attached by ClinVar (database versions not stated): gnomAD exomes 0.00001 and below 0.00001.
gnomAD v4.1: 2 of 1,613,986 alleles (0.00012%); highest among the groups gnomAD compares: Admixed American, 0.0033%; no homozygotes.

Submissions (3):

Labcorp Genetics (formerly Invitae), Labcorp
Classification: Uncertain significance for Joubert syndrome; Meckel-Gruber syndrome; Nephronophthisis. Last evaluated: 2022-07-19. Review status: criteria provided, single submitter. Criteria: Invitae Variant Classification Sherloc (09022015). Collection method: clinical testing. Allele origin: germline.
Comment: This sequence change replaces glutamic acid, which is acidic and polar, with glycine, which is neutral and non-polar, at codon 1244 of the CEP290 protein (p.Glu1244Gly). This variant is present in population databases (no rsID available, gnomAD 0.009%). This variant has not been reported in the literature in individuals affected with CEP290-related conditions. ClinVar contains an entry for this variant (Variation ID: 954317). Algorithms developed to predict the effect of missense changes on protein structure and function are either unavailable or do not agree on the potential impact of this missense change (SIFT: "Deleterious"; PolyPhen-2: "Possibly Damaging"; Align-GVGD: "Class C0"). In summary, the available evidence is currently insufficient to determine the role of this variant in disease. Therefore, it has been classified as a Variant of Uncertain Significance.

Fulgent Genetics
Classification: Uncertain significance for Joubert syndrome 5; Senior-Loken syndrome 6; Meckel syndrome, type 4; Leber congenital amaurosis 10; Bardet-Biedl syndrome 14. Last evaluated: 2021-11-29. Review status: criteria provided, single submitter. Criteria: ACMG Guidelines, 2015. Collection method: clinical testing. Allele origin: unknown.

Natera, Inc.
Classification: Uncertain significance for Leber congenital amaurosis. Last evaluated: 2021-10-07. Review status: no assertion criteria provided. Collection method: clinical testing. Allele origin: germline. Not counted in ClinVar's aggregate classification.